The following is an entry in ClinVar:

NM_005554.4(KRT6A):c.540+9G>A

Gene: KRT6A (keratin 6A; minus strand). Cytogenetic location: 12q13.13.
Variant type: single nucleotide variant.
Coding change: c.540+9G>A on transcript NM_005554.4 (MANE Select); 9 bases into the intron after coding-DNA position 540, G replaced by A.
Molecular consequence: intron variant.
Genome position (GRCh38, 1-based): chr12:52,492,640, C>T on the plus strand (G>A on the coding strand, the complement: KRT6A is on the minus strand). VCF-style: chr12-52492640-C-T. GRCh37 (hg19) VCF-style: chr12-52886424-C-T.
Other names: c.540+9G>A (NM_005554.3).
Identifiers: ClinVar variation 1291208 (VCV001291208.5), dbSNP rs72482244, ClinGen allele CA6582242.

ClinVar aggregate classification (germline): Benign. Review status: criteria provided, multiple submitters, no conflicts (2 of 4 stars). 3 submissions from 3 submitters: Benign (2). 1 of the submissions does not count toward it. Last evaluated 2015-03-03.

Conditions:
KRT6A-related disorder. Also called: KRT6A-related condition.

Allele frequency attached by ClinVar (database versions not stated): ESP Exome Variant Server 0.08181; gnomAD 0.09870 and 0.10111; TOPMed 0.10042; 1000 Genomes Project 30x 0.11446; 1000 Genomes Project 0.11581; gnomAD exomes 0.11613 and 0.13067; ExAC 0.12263.
gnomAD v4.1: 184,719 of 1,613,940 alleles (11%); highest among the groups gnomAD compares: Admixed American, 23%; 11,755 homozygotes.

Submissions (3):

GeneDx
Classification: Benign. Last evaluated: 2015-03-03. Review status: criteria provided, single submitter. Criteria: GeneDx Variant Classification Process June 2021. Collection method: clinical testing. Allele origin: germline. Affected: yes.

Breakthrough Genomics
Classification: Benign. Review status: criteria provided, single submitter. Criteria: ACMG Guidelines, 2015. Collection method: not provided. Allele origin: germline. Inheritance: Autosomal dominant inheritance. Affected: yes.

PreventionGenetics, part of Exact Sciences
Classification: Benign for KRT6A-related condition. Last evaluated: 2019-10-23. Review status: no assertion criteria provided. Collection method: clinical testing. Allele origin: germline. Not counted in ClinVar's aggregate classification.
Comment: This variant is classified as benign based on ACMG/AMP sequence variant interpretation guidelines (Richards et al. 2015 PMID: 25741868, with internal and published modifications).